The following is an entry in ClinVar:

NM_005560.6(LAMA5):c.5662G>A (p.Glu1888Lys)

Gene: LAMA5 (laminin subunit alpha 5; minus strand). Cytogenetic location: 20q13.33.
Variant type: single nucleotide variant.
Coding change: c.5662G>A on transcript NM_005560.6 (MANE Select); coding-DNA position 5662, G replaced by A.
Protein change: p.Glu1888Lys; replaces glutamic acid 1888 with lysine.
Molecular consequence: missense variant.
Genome position (GRCh38, 1-based): chr20:62,324,186, C>T on the plus strand (G>A on the coding strand, the complement: LAMA5 is on the minus strand). VCF-style: chr20-62324186-C-T. GRCh37 (hg19) VCF-style: chr20-60899242-C-T.
Other names: short protein forms E1888K.
Identifiers: ClinVar variation 1973040 (VCV001973040.5), dbSNP rs755666665, ClinGen allele CA9942097.

ClinVar aggregate classification (germline): Uncertain significance (1 of 4 stars; one submission).

Allele frequency attached by ClinVar (database versions not stated): gnomAD 0.00001; gnomAD exomes 0.00001; ExAC 0.00004.
gnomAD v4.1: 13 of 1,574,930 alleles (0.00083%); highest among the groups gnomAD compares: African/African-American, 0.0056%; no homozygotes.

Submission:

Labcorp Genetics (formerly Invitae), Labcorp
Classification: Uncertain significance. Last evaluated: 2023-12-07. Review status: criteria provided, single submitter. Criteria: Invitae Variant Classification Sherloc (09022015). Collection method: clinical testing. Allele origin: germline.
Comment: This sequence change replaces glutamic acid, which is acidic and polar, with lysine, which is basic and polar, at codon 1888 of the LAMA5 protein (p.Glu1888Lys). This variant is present in population databases (rs755666665, gnomAD 0.01%). This variant has not been reported in the literature in individuals affected with LAMA5-related conditions. ClinVar contains an entry for this variant (Variation ID: 1973040). Advanced modeling of protein sequence and biophysical properties (such as structural, functional, and spatial information, amino acid conservation, physicochemical variation, residue mobility, and thermodynamic stability) performed at Invitae indicates that this missense variant is expected to disrupt LAMA5 protein function with a positive predictive value of 80%. In summary, the available evidence is currently insufficient to determine the role of this variant in disease. Therefore, it has been classified as a Variant of Uncertain Significance.